The following is an entry in ClinVar:

ClinVar aggregate classification (germline): Likely benign (1 of 4 stars; one submission).

Conditions:
SLC26A5-related disorder. Also called: SLC26A5-related condition.

gnomAD v4.1: 197 of 1,609,394 alleles (0.012%); highest among the groups gnomAD compares: East Asian, 0.39%; no homozygotes.

Submission:

PreventionGenetics, part of Exact Sciences
Classification: Likely benign for SLC26A5-related condition. Last evaluated: 2026-03-17. Review status: criteria provided, single submitter. Criteria: ACMG Guidelines, 2015. Collection method: clinical testing. Allele origin: germline.
Comment: This variant is classified as likely benign based on ACMG/AMP sequence variant interpretation guidelines (Richards et al. 2015 PMID: 25741868, with internal and published modifications).

NM_198999.3(SLC26A5):c.1233+9A>G

Gene: SLC26A5 (solute carrier family 26 member 5; minus strand). Cytogenetic location: 7q22.1.
Variant type: single nucleotide variant.
Coding change: c.1233+9A>G on transcript NM_198999.3 (MANE Select); 9 bases into the intron after coding-DNA position 1233, A replaced by G.
Molecular consequence: intron variant.
Genome position (GRCh38, 1-based): chr7:103,391,613, T>C on the plus strand (A>G on the coding strand, the complement: SLC26A5 is on the minus strand). VCF-style: chr7-103391613-T-C. GRCh37 (hg19) VCF-style: chr7-103032060-T-C.
Other names: c.971+6319A>G (NM_206885.3); c.1233+9A>G (NM_001321787.2, NM_206884.3, NM_206883.3 and 1 more transcripts).
Identifiers: ClinVar variation 4980326 (VCV004980326.1).